The following is an entry in ClinVar:

NM_006939.4(SOS2):c.1049A>G (p.His350Arg)

Gene: SOS2 (SOS Ras/Rho guanine nucleotide exchange factor 2; minus strand). Cytogenetic location: 14q21.3.
Variant type: single nucleotide variant.
Coding change: c.1049A>G on transcript NM_006939.4 (MANE Select); coding-DNA position 1049, A replaced by G.
Protein change: p.His350Arg; replaces histidine 350 with arginine.
Molecular consequence: missense variant. On other transcripts: intron variant (1).
Genome position (GRCh38, 1-based): chr14:50,174,473, T>C on the plus strand (A>G on the coding strand, the complement: SOS2 is on the minus strand). VCF-style: chr14-50174473-T-C. GRCh37 (hg19) VCF-style: chr14-50641191-T-C.
Other names: c.969+6099A>G (NM_001411020.1); short protein forms H350R.
Identifiers: ClinVar variation 1776295 (VCV001776295.4), dbSNP rs1299925470, ClinGen allele CA389646711.

ClinVar aggregate classification (germline): Uncertain significance. Review status: criteria provided, multiple submitters, no conflicts (2 of 4 stars). 2 submissions from 2 submitters: Uncertain significance (2). Last evaluated 2023-05-01.

Conditions:
Cardiovascular phenotype. Identifiers: MedGen CN230736.
Noonan syndrome 9 (NS9). Identifiers: Orphanet 648, MedGen C4225282, MONDO:0014691, OMIM 616559.

Allele frequency attached by ClinVar (database versions not stated): gnomAD exomes below 0.00001; gnomAD 0.00001; TOPMed 0.00002.
gnomAD v4.1: 2 of 1,602,818 alleles (0.00012%); highest among the groups gnomAD compares: African/African-American, 0.0027%; no homozygotes.

Submissions (2):

Labcorp Genetics (formerly Invitae), Labcorp
Classification: Uncertain significance for Noonan syndrome 9. Last evaluated: 2023-05-01. Review status: criteria provided, single submitter. Criteria: Invitae Variant Classification Sherloc (09022015). Collection method: clinical testing. Allele origin: germline.
Comment: This sequence change replaces histidine, which is basic and polar, with arginine, which is basic and polar, at codon 350 of the SOS2 protein (p.His350Arg). This variant is not present in population databases (gnomAD no frequency). This variant has not been reported in the literature in individuals affected with SOS2-related conditions. ClinVar contains an entry for this variant (Variation ID: 1776295). Advanced modeling of protein sequence and biophysical properties (such as structural, functional, and spatial information, amino acid conservation, physicochemical variation, residue mobility, and thermodynamic stability) performed at Invitae indicates that this missense variant is not expected to disrupt SOS2 protein function. In summary, the available evidence is currently insufficient to determine the role of this variant in disease. Therefore, it has been classified as a Variant of Uncertain Significance.

Ambry Genetics
Classification: Uncertain significance for Cardiovascular phenotype. Last evaluated: 2022-09-17. Review status: criteria provided, single submitter. Criteria: Ambry Variant Classification Scheme 2023. Collection method: clinical testing. Allele origin: germline.
Comment: The p.H350R variant (also known as c.1049A>G), located in coding exon 8 of the SOS2 gene, results from an A to G substitution at nucleotide position 1049. The histidine at codon 350 is replaced by arginine, an amino acid with highly similar properties. This amino acid position is conserved. In addition, this alteration is predicted to be deleterious by in silico analysis. Since supporting evidence is limited at this time, the clinical significance of this alteration remains unclear.